The following is an entry in ClinVar:

ClinVar aggregate classification (germline): Uncertain significance. Review status: criteria provided, multiple submitters, no conflicts (2 of 4 stars). 3 submissions from 3 submitters: Uncertain significance (3). Last evaluated 2026-01-02.

Allele frequency attached by ClinVar (database versions not stated): gnomAD 0.00005; TOPMed 0.00009; 1000 Genomes Project 30x 0.00016; 1000 Genomes Project 0.00020; ESP Exome Variant Server 0.00023.
gnomAD v4.1: 198 of 1,600,078 alleles (0.012%); highest among the groups gnomAD compares: Non-Finnish European, 0.016%; no homozygotes.

Submissions (3):

Labcorp Genetics (formerly Invitae), Labcorp
Classification: Uncertain significance. Last evaluated: 2026-01-02. Review status: criteria provided, single submitter. Criteria: Invitae Variant Classification Sherloc (09022015). Collection method: clinical testing. Allele origin: germline.
Comment: This sequence change replaces arginine, which is basic and polar, with tryptophan, which is neutral and slightly polar, at codon 881 of the ARHGEF1 protein (p.Arg881Trp). This variant is present in population databases (rs201989159, gnomAD 0.009%). This variant has not been reported in the literature in individuals affected with ARHGEF1-related conditions. ClinVar contains an entry for this variant (Variation ID: 1382142). An algorithm developed to predict the effect of missense changes on protein structure and function (PolyPhen-2) suggests that this variant is likely to be disruptive. In summary, the available evidence is currently insufficient to determine the role of this variant in disease. Therefore, it has been classified as a Variant of Uncertain Significance.

Ambry Genetics
Classification: Uncertain significance. Last evaluated: 2024-10-21. Review status: criteria provided, single submitter. Criteria: Ambry Variant Classification Scheme 2023. Collection method: clinical testing. Allele origin: germline.

Breakthrough Genomics
Classification: Uncertain significance. Review status: criteria provided, single submitter. Criteria: ACMG Guidelines, 2015. Collection method: not provided. Allele origin: germline. Inheritance: Autosomal dominant inheritance. Affected: yes.

NM_004706.4(ARHGEF1):c.2596C>T (p.Arg866Trp)

Gene: ARHGEF1 (Rho guanine nucleotide exchange factor 1; plus strand). Cytogenetic location: 19q13.2.
Variant type: single nucleotide variant.
Coding change: c.2596C>T on transcript NM_004706.4 (MANE Select); coding-DNA position 2596, C replaced by T.
Protein change: p.Arg866Trp; replaces arginine 866 with tryptophan.
Molecular consequence: missense variant.
Genome position (GRCh38, 1-based): chr19:41,906,561, C>T. VCF-style: chr19-41906561-C-T. GRCh37 (hg19) VCF-style: chr19-42410713-C-T.
Other names: c.2497C>T, p.Arg833Trp (NM_198977.2); c.2641C>T, p.Arg881Trp (NM_199002.2); c.2641C>T (NM_199002.1); short protein forms R881W, R833W, R866W.
Identifiers: ClinVar variation 1382142 (VCV001382142.10), dbSNP rs201989159, ClinGen allele CA9466791.